The following is an entry in ClinVar:

NM_152296.5(ATP1A3):c.42C>G (p.Asn14Lys)

Gene: ATP1A3 (ATPase Na+/K+ transporting subunit alpha 3; minus strand). Cytogenetic location: 19q13.2.
Variant type: single nucleotide variant.
Coding change: c.42C>G on transcript NM_152296.5 (MANE Select); coding-DNA position 42, C replaced by G.
Protein change: p.Asn14Lys; replaces asparagine 14 with lysine.
Molecular consequence: missense variant.
Genome position (GRCh38, 1-based): chr19:41,988,527, G>C on the plus strand (C>G on the coding strand, the complement: ATP1A3 is on the minus strand). VCF-style: chr19-41988527-G-C. GRCh37 (hg19) VCF-style: chr19-42492679-G-C.
Other names: c.42C>G (NM_152296.3); c.75C>G, p.Asn25Lys (NM_001256213.2); c.81C>G, p.Asn27Lys (NM_001256214.2); short protein forms N14K, N25K, N27K.
Identifiers: ClinVar variation 2908176 (VCV002908176.4), dbSNP rs1247855214, ClinGen allele CA406057890.
Genomic context (GRCh38, chr19:41,988,527, plus strand): 5'-GAGGCTTACCATAGCCACCTCCTTCTTGAGGTCATCCAGGTCCCGGCGCTCCTTGCCCTT[G>C]TTCTTCTTGGGTGAGTCCTTGTCATCTTTCTTGTCCTGCGAGGTGGCGATACGATAGCTG-3'
Protein context (NP_689509.1, residues 4-24): KKDDKDSPKK[Asn14Lys]KGKERRDLDD

ClinVar aggregate classification (germline): Uncertain significance. Review status: criteria provided, multiple submitters, no conflicts (2 of 4 stars). 2 submissions from 2 submitters: Uncertain significance (2). Last evaluated 2025-08-03.

Conditions:
Inborn genetic diseases. Identifiers: MedGen C0950123, MeSH D030342.
Dystonia 12 (DYT12). Also called: Rapid-Onset Dystonia-Parkinsonism (RDP); DYT-ATP1A3. Identifiers: Orphanet 71517, MedGen C1868681, MONDO:0007496, OMIM 128235.

Allele frequency attached by ClinVar (database versions not stated): gnomAD exomes below 0.00001; gnomAD 0.00001.
gnomAD v4.1: 2 of 1,614,054 alleles (0.00012%); highest among the groups gnomAD compares: African/African-American, 0.0013%; no homozygotes.

Submissions (2):

Ambry Genetics
Classification: Uncertain significance for Inborn genetic diseases. Last evaluated: 2025-08-03. Review status: criteria provided, single submitter. Criteria: Ambry Variant Classification Scheme 2023. Collection method: clinical testing. Allele origin: germline.

Labcorp Genetics (formerly Invitae), Labcorp
Classification: Uncertain significance for Dystonia 12. Last evaluated: 2023-12-11. Review status: criteria provided, single submitter. Criteria: Invitae Variant Classification Sherloc (09022015). Collection method: clinical testing. Allele origin: germline.
Comment: This sequence change replaces asparagine, which is neutral and polar, with lysine, which is basic and polar, at codon 14 of the ATP1A3 protein (p.Asn14Lys). This variant is present in population databases (no rsID available, gnomAD 0.0009%). This variant has not been reported in the literature in individuals affected with ATP1A3-related conditions. Advanced modeling of protein sequence and biophysical properties (such as structural, functional, and spatial information, amino acid conservation, physicochemical variation, residue mobility, and thermodynamic stability) performed at Invitae indicates that this missense variant is not expected to disrupt ATP1A3 protein function with a negative predictive value of 95%. In summary, the available evidence is currently insufficient to determine the role of this variant in disease. Therefore, it has been classified as a Variant of Uncertain Significance.